The following is an entry in ClinVar:

NM_181552.4(CUX1):c.3500_3503del (p.Arg1167fs)

Gene: CUX1 (cut like homeobox 1; plus strand). Cytogenetic location: 7q22.1.
Variant type: Microsatellite.
Coding change: c.3500_3503del on transcript NM_181552.4 (MANE Select); coding-DNA positions 3500 to 3503, 4 bases deleted (GCCC; older notation c.3500_3503delGCCC).
Protein change: p.Arg1167fs; shifts the reading frame from arginine 1167.
Molecular consequence: frameshift variant. On other transcripts: intron variant (5).
Genome position (GRCh38, 1-based): chr7:102,234,118-102,234,121, GCCC deleted; deleting any 4 consecutive bases within chr7:102,234,114-102,234,121 gives the same sequence; the c. name uses the placement nearest the transcript's 3' end. VCF-style (leftmost placement, unchanged base first): chr7-102234113-TGCCC-T. GRCh37 (hg19) VCF-style: chr7-101877393-TGCCC-T.
Other names: c.3533_3536del, p.Arg1178fs (NM_001202543.2); c.1255+38515_1255+38518del (NM_001913.5); c.1249+38515_1249+38518del (NM_181500.4); c.1117+38515_1117+38518del (NM_001202545.3); c.1207+38515_1207+38518del (NM_001202544.3); c.1138+38515_1138+38518del (NM_001202546.3); short protein forms R1167fs, R1178fs.
Identifiers: ClinVar variation 1803931 (VCV001803931.1), dbSNP rs2486092738, ClinGen allele CA2580615959.
Genomic context (GRCh38, chr7:102,234,113, plus strand): 5'-CCAGCGCTTATTTGGGGAGACCATCTTAGGGCTCACCCAAGGCTCTGTCTCTGACCTCCT[TGCCC>T]GCCCCAAACCCTGGCATAAGCTCAGTCTGAAAGGACGAGAGCCCTTCGTCCGGATGCAGC-3'

ClinVar aggregate classification (germline): Likely pathogenic (1 of 4 stars; one submission).

Conditions:
Global developmental delay with or without impaired intellectual development. Identifiers: MedGen C5193032, MONDO:0032680, OMIM 618330.

Submission:

Institute of Human Genetics, University of Leipzig Medical Center
Classification: Likely pathogenic for Global developmental delay with or without impaired intellectual development. Last evaluated: 2022-12-19. Review status: criteria provided, single submitter. Criteria: ACMG Guidelines, 2015. Collection method: clinical testing. Allele origin: maternal. Affected: yes.
Comment: Criteria applied: PVS1, PM2_Supporting